The following is an entry in ClinVar:

ClinVar aggregate classification (germline): Conflicting classifications of pathogenicity. Review status: criteria provided, conflicting classifications (1 of 4 stars). 5 submissions from 5 submitters: Uncertain significance (1); Likely benign (4). Last evaluated 2025-09-22.

Conditions:
Familial thoracic aortic aneurysm and aortic dissection (TAAD). Also called: Thoracic aortic aneurysms and dissections. Identifiers: Orphanet 91387, MedGen C4707243, MONDO:0019625.
Ehlers-Danlos syndrome, type 4 (EDSVASC). Also called: Ehlers-Danlos Syndrome Type IV; Ehlers-Danlos syndrome vascular type; Ehlers Danlos syndrome, ecchymotic type; Ehlers Danlos syndrome, arterial type; Ehlers Danlos syndrome, Sack-Barabas type. Identifiers: Orphanet 286, MedGen C0268338, MONDO:0017314, OMIM 130050.

Allele frequency attached by ClinVar (database versions not stated): gnomAD exomes below 0.00001 and 0.00006; TOPMed 0.00006.
gnomAD v4.1: 92 of 1,613,994 alleles (0.0057%); highest among the groups gnomAD compares: Non-Finnish European, 0.0078%; no homozygotes.

Submissions (5):

Labcorp Genetics (formerly Invitae), Labcorp
Classification: Likely benign for Ehlers-Danlos syndrome, type 4. Last evaluated: 2025-09-22. Review status: criteria provided, single submitter. Criteria: Invitae Variant Classification Sherloc (09022015). Collection method: clinical testing. Allele origin: germline.

Ambry Genetics
Classification: Likely benign for Familial thoracic aortic aneurysm and aortic dissection. Last evaluated: 2024-06-07. Review status: criteria provided, single submitter. Criteria: Ambry Variant Classification Scheme 2023. Collection method: clinical testing. Allele origin: germline.

All of Us Research Program, National Institutes of Health
Classification: Likely benign for Ehlers-Danlos syndrome, type 4. Last evaluated: 2023-04-10. Review status: criteria provided, single submitter. Criteria: ACMG Guidelines, 2015. Collection method: clinical testing. Allele origin: germline. Inheritance: Autosomal dominant inheritance. Observed: 2 variant alleles, 2 heterozygotes.
Comment: This study involves interpretation of variants in research participants for the purpose of population health screening. Participant phenotype was not available at the time of variant classification. Additional details can be found in publication PMID: 35346344, PMCID: PMC8962531

Color Diagnostics, LLC DBA Color Health
Classification: Likely benign for Familial thoracic aortic aneurysm and aortic dissection. Last evaluated: 2021-07-14. Review status: criteria provided, single submitter. Criteria: ACMG Guidelines, 2015. Collection method: clinical testing. Allele origin: germline.

Illumina Laboratory Services, Illumina
Classification: Uncertain significance for Ehlers-Danlos syndrome, type 4. Last evaluated: 2018-01-13. Review status: criteria provided, single submitter. Criteria: ICSL Variant Classification Criteria 13 December 2019. Collection method: clinical testing. Allele origin: germline.

NM_000090.4(COL3A1):c.2364A>G (p.Pro788=)

Genes: COL3A1 (collagen type III alpha 1 chain; plus strand), LOC126806446 (P300/CBP strongly-dependent group 1 enhancer GRCh37_chr2:189866210-189867409; plus strand). Cytogenetic location: 2q32.2.
Variant type: single nucleotide variant.
Coding change: c.2364A>G on transcript NM_000090.4 (MANE Select); coding-DNA position 2364, A replaced by G.
Protein change: p.Pro788=; no amino-acid change (proline 788 retained).
Molecular consequence: synonymous variant.
Genome position (GRCh38, 1-based): chr2:189,001,562, A>G. VCF-style: chr2-189001562-A-G. GRCh37 (hg19) VCF-style: chr2-189866288-A-G.
Identifiers: ClinVar variation 333059 (VCV000333059.18), dbSNP rs886055332, ClinGen allele CA10613204.
Genomic context (GRCh38, chr2:189,001,562, plus strand): 5'-ATGCAAGACAGTGACATGGCTTCTCTTTTTCCAGGGTGAAGGTGGTGCCCCCGGACTTCC[A>G]GGTATAGCTGGACCTCGTGGTAGCCCTGTAAGTGTTAAAGACATTCTCAACATACTTTTT-3'
Protein context (NP_000081.2, residues 778-798): DKGEGGAPGL[Pro788=]GIAGPRGSPG